The following is an entry in ClinVar:

ClinVar aggregate classification (germline): Conflicting classifications of pathogenicity. Review status: criteria provided, conflicting classifications (1 of 4 stars). 2 submissions from 2 submitters: Uncertain significance (1); Likely benign (1). Last evaluated 2023-05-22.

Conditions:
Congenital contractural arachnodactyly (CCA). Also called: Beals-Hecht syndrome; BEALS SYNDROME; Arthrogryposis, distal, type 9. Identifiers: Orphanet 115, MedGen C0220668, MONDO:0007363, OMIM 121050.

Allele frequency attached by ClinVar (database versions not stated): ExAC 0.00001; TOPMed 0.00003.
gnomAD v4.1: 2 of 1,614,134 alleles (0.00012%); highest among the groups gnomAD compares: African/African-American, 0.0027%; no homozygotes.

Submissions (2):

Labcorp Genetics (formerly Invitae), Labcorp
Classification: Likely benign for Congenital contractural arachnodactyly. Last evaluated: 2023-05-22. Review status: criteria provided, single submitter. Criteria: Invitae Variant Classification Sherloc (09022015). Collection method: clinical testing. Allele origin: germline.

GeneDx
Classification: Uncertain significance. Last evaluated: 2021-08-03. Review status: criteria provided, single submitter. Criteria: GeneDx Variant Classification Process June 2021. Collection method: clinical testing. Allele origin: germline. Affected: yes.
Comment: Has not been previously published as pathogenic or benign to our knowledge; Not observed at a significant frequency in large population cohorts (Lek et al., 2016); In silico analysis supports that this missense variant does not alter protein structure/function; Does not affect a cysteine residue within a calcium-binding EGF-like domain of the FBN2 gene; cysteine substitutions in the calcium-binding EGF-like domains represent the majority of pathogenic missense changes associated with FBN2-related disorders (Frederic et al., 2009)

NM_001999.4(FBN2):c.3145G>C (p.Glu1049Gln)

Genes: FBN2 (fibrillin 2; minus strand), LOC126807501 (BRD4-independent group 4 enhancer GRCh37_chr5:127680731-127681930; plus strand). Cytogenetic location: 5q23.3.
Variant type: single nucleotide variant.
Coding change: c.3145G>C on transcript NM_001999.4 (MANE Select); coding-DNA position 3145, G replaced by C.
Protein change: p.Glu1049Gln; replaces glutamic acid 1049 with glutamine.
Molecular consequence: missense variant.
Genome position (GRCh38, 1-based): chr5:128,345,429, C>G on the plus strand (G>C on the coding strand, the complement: FBN2 is on the minus strand). VCF-style: chr5-128345429-C-G. GRCh37 (hg19) VCF-style: chr5-127681121-C-G.
Other names: short protein forms E1049Q.
Identifiers: ClinVar variation 213299 (VCV000213299.15), dbSNP rs771853346, ClinGen allele CA322010.